The following is an entry in ClinVar:

NM_001267550.2(TTN):c.85766_85767delinsAA (p.Arg28589Lys)

Genes: TTN (titin; minus strand), TTN-AS1 (TTN antisense RNA 1; plus strand). Cytogenetic location: 2q31.2.
Variant type: Indel.
Coding change: c.85766_85767delinsAA on transcript NM_001267550.2 (MANE Select); coding-DNA positions 85766 to 85767, GG replaced by AA.
Protein change: p.Arg28589Lys; replaces arginine 28589 with lysine.
Molecular consequence: missense variant.
Genome position (GRCh38, 1-based): chr2:178,560,365-178,560,366, CC replaced by TT on the plus strand (GG replaced by AA on the coding strand, the reverse complement: TTN is on the minus strand). VCF-style: chr2-178560365-CC-TT. GRCh37 (hg19) VCF-style: chr2-179425092-CC-TT.
Other names: c.80843_80844delinsAA, p.Arg26948Lys (NM_001256850.1); c.58571_58572delinsAA, p.Arg19524Lys (NM_003319.4); c.78062_78063delinsAA, p.Arg26021Lys (NM_133378.4); c.58946_58947delinsAA, p.Arg19649Lys (NM_133432.3); c.59147_59148delinsAA, p.Arg19716Lys (NM_133437.4); c.58571_58572delGGinsAA (NM_003319.4); short protein forms R19649K, R19524K, R19716K, R26021K, R28589K, R26948K.
Identifiers: ClinVar variation 4615343 (VCV004615343.1).
Genomic context (GRCh38, chr2:178,560,365, plus strand): 5'-TCTTAGATCATAAACTGGTTTTTTGTTTACACGCACCCATCTTAGGCTATTTTTCTCTCG[CC>TT]TTTCAATTATATATCCAGATATTTCACTACCTCCATCACTCTCGGGTCTTGACCAGCAAA-3'
Protein context (NP_001254479.2, residues 28579-28599): GSEISGYIIE[Arg28589Lys]REKNSLRWVR

ClinVar aggregate classification (germline): Uncertain significance (1 of 4 stars; one submission).

Conditions:
Cardiovascular phenotype. Identifiers: MedGen CN230736.

Submission:

Ambry Genetics
Classification: Uncertain significance for Cardiovascular phenotype. Last evaluated: 2025-11-17. Review status: criteria provided, single submitter. Criteria: Ambry Variant Classification Scheme 2023. Collection method: clinical testing. Allele origin: germline.
Comment: The c.58571_58572delGGinsAA variant, located in coding exon 153 of the TTN gene, results from an in-frame deletion of GG and insertion of AA at nucleotide positions 58571 to 58572. This results in the substitution of the arginine residue for a lysine residue at codon 19524, an amino acid with highly similar properties. This amino acid position is well conserved in available vertebrate species. In addition, this variant is predicted to be neutral by in silico analysis (Choi Y et al. PLoS ONE. 2012; 7(10):e46688). Based on the available evidence, the clinical significance of this variant remains unclear.